The following is an entry in ClinVar:

NM_001290043.2(TAP2):c.1694C>G (p.Ala565Gly)

Gene: TAP2 (transporter 2, ATP binding cassette subfamily B member; minus strand). Cytogenetic location: 6p21.32.
Variant type: single nucleotide variant.
Coding change: c.1694C>G on transcript NM_001290043.2 (MANE Select); coding-DNA position 1694, C replaced by G.
Protein change: p.Ala565Gly; replaces alanine 565 with glycine.
Molecular consequence: missense variant.
Genome position (GRCh38, 1-based): chr6:32,830,031, G>C on the plus strand (C>G on the coding strand, the complement: TAP2 is on the minus strand). VCF-style: chr6-32830031-G-C. GRCh37 (hg19) VCF-style: chr6-32797808-G-C.
Other names: c.1694C>G, p.Ala565Gly (NM_000544.3, NM_018833.3); short protein forms A565G.
Identifiers: ClinVar variation 1366856 (VCV001366856.3), dbSNP rs560100282, ClinGen allele CA3745824.

ClinVar aggregate classification (germline): Uncertain significance (1 of 4 stars; one submission).

Conditions:
MHC class I deficiency. Identifiers: Orphanet 34592, MedGen C6024714, MONDO:0011476.

Allele frequency attached by ClinVar (database versions not stated): gnomAD exomes below 0.00001 and 0.00001; 1000 Genomes Project 0.00020; ExAC 0.00001; 1000 Genomes Project 30x 0.00016; gnomAD 0.00001.
gnomAD v4.1: 4 of 1,613,110 alleles (0.00025%); highest among the groups gnomAD compares: Admixed American, 0.0067%; no homozygotes.

Submission:

Labcorp Genetics (formerly Invitae), Labcorp
Classification: Uncertain significance for MHC class I deficiency 1. Last evaluated: 2022-08-19. Review status: criteria provided, single submitter. Criteria: Invitae Variant Classification Sherloc (09022015). Collection method: clinical testing. Allele origin: germline.
Comment: This sequence change replaces alanine, which is neutral and non-polar, with glycine, which is neutral and non-polar, at codon 565 of the TAP2 protein (p.Ala565Gly). This variant is present in population databases (rs560100282, gnomAD 0.003%). This variant has not been reported in the literature in individuals affected with TAP2-related conditions. ClinVar contains an entry for this variant (Variation ID: 1366856). Algorithms developed to predict the effect of missense changes on protein structure and function are either unavailable or do not agree on the potential impact of this missense change (SIFT: "Tolerated"; PolyPhen-2: "Not Available"; Align-GVGD: "Class C0"). In summary, the available evidence is currently insufficient to determine the role of this variant in disease. Therefore, it has been classified as a Variant of Uncertain Significance.